The following is an entry in ClinVar:

ClinVar aggregate classification (germline): Uncertain significance (1 of 4 stars; one submission).

Allele frequency attached by ClinVar (database versions not stated): ExAC 0.00001; gnomAD 0.00001; TOPMed 0.00002; gnomAD exomes 0.00004.
gnomAD v4.1: 66 of 1,613,980 alleles (0.0041%); highest among the groups gnomAD compares: Non-Finnish European, 0.0053%; no homozygotes.

Submission:

Labcorp Genetics (formerly Invitae), Labcorp
Classification: Uncertain significance. Last evaluated: 2022-03-13. Review status: criteria provided, single submitter. Criteria: Invitae Variant Classification Sherloc (09022015). Collection method: clinical testing. Allele origin: germline.
Comment: In summary, the available evidence is currently insufficient to determine the role of this variant in disease. Therefore, it has been classified as a Variant of Uncertain Significance. Algorithms developed to predict the effect of missense changes on protein structure and function output the following: SIFT: "Deleterious"; PolyPhen-2: "Benign"; Align-GVGD: "Class C0". The threonine amino acid residue is found in multiple mammalian species, which suggests that this missense change does not adversely affect protein function. This variant has not been reported in the literature in individuals affected with ADCY10-related conditions. This variant is present in population databases (rs781107148, gnomAD 0.002%). This sequence change replaces isoleucine, which is neutral and non-polar, with threonine, which is neutral and polar, at codon 1316 of the ADCY10 protein (p.Ile1316Thr).

NM_018417.6(ADCY10):c.3947T>C (p.Ile1316Thr)

Gene: ADCY10 (adenylate cyclase 10; minus strand). Cytogenetic location: 1q24.2.
Variant type: single nucleotide variant.
Coding change: c.3947T>C on transcript NM_018417.6 (MANE Select); coding-DNA position 3947, T replaced by C.
Protein change: p.Ile1316Thr; replaces isoleucine 1316 with threonine.
Molecular consequence: missense variant.
Genome position (GRCh38, 1-based): chr1:167,824,659, A>G on the plus strand (T>C on the coding strand, the complement: ADCY10 is on the minus strand). VCF-style: chr1-167824659-A-G. GRCh37 (hg19) VCF-style: chr1-167793897-A-G.
Other names: c.3488T>C, p.Ile1163Thr (NM_001167749.3); c.3671T>C, p.Ile1224Thr (NM_001297772.2); short protein forms I1163T, I1316T, I1224T.
Identifiers: ClinVar variation 1897612 (VCV001897612.5), dbSNP rs781107148, ClinGen allele CA1227206.